The following is an entry in ClinVar:

ClinVar aggregate classification (germline): Uncertain significance (1 of 4 stars; one submission).

Conditions:
Hereditary cancer-predisposing syndrome. Also called: Neoplastic Syndromes, Hereditary; Tumor predisposition; Hereditary Cancer Syndrome; Hereditary neoplastic syndrome. Identifiers: Orphanet 140162, MedGen C0027672, MeSH D009386, MONDO:0015356.

Allele frequency attached by ClinVar (database versions not stated): gnomAD exomes below 0.00001.
gnomAD v4.1: 1 of 1,614,004 alleles (0.000062%); highest among the groups gnomAD compares: Non-Finnish European, 0.000085%; no homozygotes.

Submission:

Ambry Genetics
Classification: Uncertain significance for Hereditary cancer-predisposing syndrome. Last evaluated: 2022-04-03. Review status: criteria provided, single submitter. Criteria: Ambry Variant Classification Scheme 2023. Collection method: clinical testing. Allele origin: germline.
Comment: The p.S1332I variant (also known as c.3995G>T), located in coding exon 27 of the ALK gene, results from a G to T substitution at nucleotide position 3995. The serine at codon 1332 is replaced by isoleucine, an amino acid with dissimilar properties. This amino acid position is conserved. In addition, this alteration is predicted to be deleterious by in silico analysis. Since supporting evidence is limited at this time, the clinical significance of this alteration remains unclear.

NM_004304.5(ALK):c.3995G>T (p.Ser1332Ile)

Gene: ALK (ALK receptor tyrosine kinase; minus strand). Cytogenetic location: 2p23.2.
Variant type: single nucleotide variant.
Coding change: c.3995G>T on transcript NM_004304.5 (MANE Select); coding-DNA position 3995, G replaced by T.
Protein change: p.Ser1332Ile; replaces serine 1332 with isoleucine.
Molecular consequence: missense variant.
Genome position (GRCh38, 1-based): chr2:29,197,620, C>A on the plus strand (G>T on the coding strand, the complement: ALK is on the minus strand). VCF-style: chr2-29197620-C-A. GRCh37 (hg19) VCF-style: chr2-29420486-C-A.
Other names: c.791G>T, p.Ser264Ile (NM_001353765.2); short protein forms S264I, S1332I.
Identifiers: ClinVar variation 1736793 (VCV001736793.2), dbSNP rs2148143467, ClinGen allele CA346466198.